The following is an entry in ClinVar:

NM_001267550.2(TTN):c.103628C>T (p.Pro34543Leu)

Genes: TTN (titin; minus strand), TTN-AS1 (TTN antisense RNA 1; plus strand). Cytogenetic location: 2q31.2.
Variant type: single nucleotide variant.
Coding change: c.103628C>T on transcript NM_001267550.2 (MANE Select); coding-DNA position 103628, C replaced by T.
Protein change: p.Pro34543Leu; replaces proline 34543 with leucine.
Molecular consequence: missense variant.
Genome position (GRCh38, 1-based): chr2:178,532,987, G>A on the plus strand (C>T on the coding strand, the complement: TTN is on the minus strand). VCF-style: chr2-178532987-G-A. GRCh37 (hg19) VCF-style: chr2-179397714-G-A.
Other names: c.76433C>T, p.Pro25478Leu (NM_003319.4); c.95924C>T, p.Pro31975Leu (NM_133378.4); c.76808C>T, p.Pro25603Leu (NM_133432.3); c.77009C>T, p.Pro25670Leu (NM_133437.4); c.98705C>T, p.Pro32902Leu (NM_001256850.1); short protein forms P25478L, P34543L, P25603L, P25670L, P31975L, P32902L.
Identifiers: ClinVar variation 805700 (VCV000805700.4), dbSNP rs1575257488, ClinGen allele CA349413859.

ClinVar aggregate classification (germline): Uncertain significance. Review status: criteria provided, multiple submitters, no conflicts (2 of 4 stars). 2 submissions from 2 submitters: Uncertain significance (2). Last evaluated 2022-11-04.

Conditions:
Dilated cardiomyopathy 1G (CMD1G). Identifiers: Orphanet 154, MedGen C1858763, MONDO:0011400, OMIM 604145.
Autosomal recessive limb-girdle muscular dystrophy type 2J (LGMDR10). Also called: Limb-girdle muscular dystrophy, type 2J; MUSCULAR DYSTROPHY, LIMB-GIRDLE, AUTOSOMAL RECESSIVE 10. Identifiers: Orphanet 140922, MedGen C1837342, MONDO:0012127, OMIM 608807.

Submissions (2):

Labcorp Genetics (formerly Invitae), Labcorp
Classification: Uncertain significance for Dilated cardiomyopathy 1G; Autosomal recessive limb-girdle muscular dystrophy type 2J. Last evaluated: 2022-11-04. Review status: criteria provided, single submitter. Criteria: Invitae Variant Classification Sherloc (09022015). Collection method: clinical testing. Allele origin: germline.
Comment: This variant is located in the M band of TTN (PMID: 25589632). Variants in this region may be relevant for neuromuscular disorders, but have not been definitively shown to cause cardiomyopathy (PMID: 23975875). In summary, the available evidence is currently insufficient to determine the role of this variant in disease. Therefore, it has been classified as a Variant of Uncertain Significance. Experimental studies and prediction algorithms are not available or were not evaluated, and the functional significance of this variant is currently unknown. ClinVar contains an entry for this variant (Variation ID: 805700). This variant has not been reported in the literature in individuals affected with TTN-related conditions. This variant is not present in population databases (gnomAD no frequency). This sequence change replaces proline, which is neutral and non-polar, with leucine, which is neutral and non-polar, at codon 34543 of the TTN protein (p.Pro34543Leu).

Athena Diagnostics
Classification: Uncertain significance. Last evaluated: 2019-04-23. Review status: criteria provided, single submitter. Criteria: Athena Diagnostics Criteria. Collection method: clinical testing. Allele origin: germline.

Literature cited by the submitters: PubMed 25589632 (cited by Labcorp Genetics (formerly Invitae), Labcorp); PubMed 23975875 (cited by Labcorp Genetics (formerly Invitae), Labcorp).